The following is an entry in ClinVar:

ClinVar aggregate classification (germline): Uncertain significance. Review status: criteria provided, multiple submitters, no conflicts (2 of 4 stars). 6 submissions from 6 submitters: Uncertain significance (6). Last evaluated 2024-03-08.

Conditions:
Hypercalcemia, infantile, 1 (HCINF1). Identifiers: Orphanet 300547, MedGen CN031131, MONDO:0020739, OMIM 143880.

Allele frequency attached by ClinVar (database versions not stated): 1000 Genomes Project 30x 0.00047; gnomAD 0.00030 and 0.00034; 1000 Genomes Project 0.00040; TOPMed 0.00040; ESP Exome Variant Server 0.00062.
gnomAD v4.1: 821 of 1,604,798 alleles (0.051%); highest among the groups gnomAD compares: Middle Eastern, 0.12%; 1 homozygote.

Submissions (6):

Fulgent Genetics
Classification: Uncertain significance for Hypercalcemia, infantile, 1. Last evaluated: 2024-03-08. Review status: criteria provided, single submitter. Criteria: ACMG Guidelines, 2015. Collection method: clinical testing. Allele origin: germline.

GeneDx
Classification: Uncertain significance. Last evaluated: 2023-06-26. Review status: criteria provided, single submitter. Criteria: GeneDx Variant Classification Process June 2021. Collection method: clinical testing. Allele origin: germline. Affected: yes.
Comment: In silico analysis supports that this missense variant does not alter protein structure/function; Has not been previously published as pathogenic or benign to our knowledge

Labcorp Genetics (formerly Invitae), Labcorp
Classification: Uncertain significance. Last evaluated: 2022-06-14. Review status: criteria provided, single submitter. Criteria: Invitae Variant Classification Sherloc (09022015). Collection method: clinical testing. Allele origin: germline.
Comment: This sequence change replaces valine, which is neutral and non-polar, with isoleucine, which is neutral and non-polar, at codon 457 of the CYP24A1 protein (p.Val457Ile). This variant is present in population databases (rs112596218, gnomAD 0.03%). This variant has not been reported in the literature in individuals affected with CYP24A1-related conditions. ClinVar contains an entry for this variant (Variation ID: 896940). Advanced modeling of protein sequence and biophysical properties (such as structural, functional, and spatial information, amino acid conservation, physicochemical variation, residue mobility, and thermodynamic stability) performed at Invitae indicates that this missense variant is not expected to disrupt CYP24A1 protein function. In summary, the available evidence is currently insufficient to determine the role of this variant in disease. Therefore, it has been classified as a Variant of Uncertain Significance.

Revvity Omics, Revvity
Classification: Uncertain significance for Hypercalcemia, infantile, 1. Last evaluated: 2021-09-30. Review status: criteria provided, single submitter. Criteria: ACMG Guidelines, 2015. Collection method: clinical testing. Allele origin: germline.

Illumina Laboratory Services, Illumina
Classification: Uncertain significance for Hypercalcemia, infantile, 1. Last evaluated: 2017-04-27. Review status: criteria provided, single submitter. Criteria: ICSL Variant Classification Criteria 13 December 2019. Collection method: clinical testing. Allele origin: germline.
Comment: This variant was observed as part of a predisposition screen in an ostensibly healthy population. A literature search was performed for the gene, cDNA change, and amino acid change (where applicable). Publications were found based on this search. However, the evidence from the literature, in combination with allele frequency data from public databases where available, was not sufficient to rule this variant in or out of causing disease. Therefore, this variant is classified as a variant of unknown significance.

Breakthrough Genomics
Classification: Uncertain significance. Review status: criteria provided, single submitter. Criteria: ACMG Guidelines, 2015. Collection method: not provided. Allele origin: germline. Inheritance: Autosomal dominant inheritance. Affected: yes.

Literature cited by the submitters: PubMed 23293122 (cited by Illumina Laboratory Services, Illumina).

NM_000782.5(CYP24A1):c.1369G>A (p.Val457Ile)

Gene: CYP24A1 (cytochrome P450 family 24 subfamily A member 1; minus strand). Cytogenetic location: 20q13.2.
Variant type: single nucleotide variant.
Coding change: c.1369G>A on transcript NM_000782.5 (MANE Select); coding-DNA position 1369, G replaced by A.
Protein change: p.Val457Ile; replaces valine 457 with isoleucine.
Molecular consequence: missense variant. On other transcripts: intron variant (1).
Genome position (GRCh38, 1-based): chr20:54,157,453, C>T on the plus strand (G>A on the coding strand, the complement: CYP24A1 is on the minus strand). VCF-style: chr20-54157453-C-T. GRCh37 (hg19) VCF-style: chr20-52773992-C-T.
Other names: c.1237-164G>A (NM_001128915.2); short protein forms V457I.
Identifiers: ClinVar variation 896940 (VCV000896940.12), dbSNP rs112596218, ClinGen allele CA9915802.
Genomic context (GRCh38, chr20:54,157,453, plus strand): 5'-AAAGAGCCAAATGCAGTTGAAGCTCTGCTAATCGGCGACCAATGCACATTCTTTTTCCAA[C>T]GCCAAATGGAAGATGCGCAAAAGGATTAATTTTTTCCTTCTCCTGAAGCCAACGTTCAGG-3'
Protein context (NP_000773.2, residues 447-467): INPFAHLPFG[Val457Ile]GKRMCIGRRL